The following is an entry in ClinVar:

ClinVar aggregate classification (germline): Uncertain significance (1 of 4 stars; one submission).

Conditions:
Hereditary cancer-predisposing syndrome. Also called: Hereditary neoplastic syndrome; Neoplastic Syndromes, Hereditary; Tumor predisposition; Hereditary Cancer Syndrome. Identifiers: Orphanet 140162, MedGen C0027672, MeSH D009386, MONDO:0015356.

Submission:

Ambry Genetics
Classification: Uncertain significance for Hereditary cancer-predisposing syndrome. Last evaluated: 2025-02-13. Review status: criteria provided, single submitter. Criteria: Ambry Variant Classification Scheme 2023. Collection method: clinical testing. Allele origin: germline.
Comment: The p.S184P variant (also known as c.550T>C), located in coding exon 4 of the BARD1 gene, results from a T to C substitution at nucleotide position 550. The serine at codon 184 is replaced by proline, an amino acid with similar properties. This amino acid position is conserved. In addition, this alteration is predicted to be tolerated by in silico analysis. Based on the available evidence, the clinical significance of this variant remains unclear.

NM_000465.4(BARD1):c.550T>C (p.Ser184Pro)

Gene: BARD1 (BRCA1 associated RING domain 1; minus strand). Cytogenetic location: 2q35.
Variant type: single nucleotide variant.
Coding change: c.550T>C on transcript NM_000465.4 (MANE Select); coding-DNA position 550, T replaced by C.
Protein change: p.Ser184Pro; replaces serine 184 with proline.
Molecular consequence: missense variant. On other transcripts: non-coding transcript variant (2), intron variant (3).
Genome position (GRCh38, 1-based): chr2:214,781,324, A>G on the plus strand (T>C on the coding strand, the complement: BARD1 is on the minus strand). VCF-style: chr2-214781324-A-G. GRCh37 (hg19) VCF-style: chr2-215646048-A-G.
Other names: c.493T>C, p.Ser165Pro (NM_001282543.2); c.158+28088T>C (NM_001282548.2); c.215+15737T>C (NM_001282545.2); c.364+10973T>C (NM_001282549.2); short protein forms S165P, S184P.
Identifiers: ClinVar variation 3820660 (VCV003820660.1).